The following is an entry in ClinVar:

NM_018965.4(TREM2):c.185G>A (p.Arg62His)

Gene: TREM2 (triggering receptor expressed on myeloid cells 2; minus strand). Cytogenetic location: 6p21.1.
Variant type: single nucleotide variant.
Coding change: c.185G>A on transcript NM_018965.4 (MANE Select); coding-DNA position 185, G replaced by A.
Protein change: p.Arg62His; replaces arginine 62 with histidine.
Molecular consequence: missense variant.
Genome position (GRCh38, 1-based): chr6:41,161,469, C>T on the plus strand (G>A on the coding strand, the complement: TREM2 is on the minus strand). VCF-style: chr6-41161469-C-T. GRCh37 (hg19) VCF-style: chr6-41129207-C-T.
Other names: p.Arg62His; c.185G>A, p.Arg62His (NM_001271821.2); c.185G>A (NM_018965.2); short protein forms R62H.
Identifiers: ClinVar variation 445645 (VCV000445645.63), dbSNP rs143332484, ClinGen allele CA3798950.

ClinVar aggregate classification (germline): Benign/Likely benign. Review status: criteria provided, multiple submitters, no conflicts (2 of 4 stars). 10 submissions from 9 submitters: Benign (6); Likely benign (1). 3 of the submissions do not count toward it. Last evaluated 2026-09-01.

Conditions:
Polycystic lipomembranous osteodysplasia with sclerosing leukoencephalopathy 1 (PLOSL1). Also called: TYROBP-Related Polycystic Lipomembranous Osteodysplasia with Sclerosing Leukoencephalopathy. Identifiers: Orphanet 2770, MedGen C4721893, MONDO:0020749, OMIM 221770.

Allele frequency attached by ClinVar (database versions not stated): 1000 Genomes Project 0.00499; 1000 Genomes Project 30x 0.00531; TOPMed 0.00663; gnomAD 0.00713 and 0.00714; gnomAD exomes 0.00763; ESP Exome Variant Server 0.00777; ExAC 0.00826.

Submissions (10):

CeGaT Center for Human Genetics Tuebingen
Classification: Benign. Last evaluated: 2026-09-01. Review status: criteria provided, single submitter. Criteria: CeGaT Center For Human Genetics Tuebingen Variant Classification Criteria Version 2. Collection method: clinical testing. Allele origin: germline. Affected: yes. Observed: 46 variant alleles.
Comment: TREM2: BP4, BS1, BS2

Labcorp Genetics (formerly Invitae), Labcorp
Classification: Benign. Last evaluated: 2026-02-01. Review status: criteria provided, single submitter. Criteria: Invitae Variant Classification Sherloc (09022015). Collection method: clinical testing. Allele origin: germline.

Mayo Clinic Laboratories, Mayo Clinic
Classification: Benign. Last evaluated: 2023-12-28. Review status: criteria provided, single submitter. Criteria: ACMG Guidelines, 2015. Collection method: clinical testing. Allele origin: germline. Observed: 9 variant alleles.
Comment: BA1, BS2

GeneDx
Classification: Benign. Last evaluated: 2020-10-05. Review status: criteria provided, single submitter. Criteria: GeneDx Variant Classification Process June 2021. Collection method: clinical testing. Allele origin: germline. Affected: yes.
Comment: This variant is associated with the following publications: (PMID: 29723869, 30530974, 28714976, 26754641, 29557178, 28430856, 29177109, 26021840, 24899047, 25886450)

Center for Pediatric Genomic Medicine, Children's Mercy Hospital and Clinics
Classification: Likely benign. Last evaluated: 2017-02-20. Review status: criteria provided, single submitter. Criteria: ACMG Guidelines, 2015. Collection method: clinical testing. Allele origin: germline.

Eurofins Ntd Llc (ga)
Classification: Benign. Last evaluated: 2017-01-25. Review status: criteria provided, single submitter. Criteria: EGL Classification Definitions 2015. Collection method: clinical testing. Allele origin: germline. Observed: 1 variant allele, 1 heterozygote.

Clinical Genetics DNA and cytogenetics Diagnostics Lab, Erasmus MC, Erasmus Medical Center
Classification: Benign for Polycystic lipomembranous osteodysplasia with sclerosing leukoencephalopathy 1. Last evaluated: 2015-09-21. Review status: criteria provided, single submitter. Criteria: ACGS Guidelines, 2013. Collection method: clinical testing. Allele origin: germline. Affected: yes. Study: VKGL Data-share Consensus.

Genome Diagnostics Laboratory, Amsterdam University Medical Center
Classification: Likely benign for Polycystic lipomembranous osteodysplasia with sclerosing leukoencephalopathy 1. Last evaluated: 2015-09-14. Review status: no assertion criteria provided. Criteria: ACGS Guidelines, 2013. Collection method: clinical testing. Allele origin: germline. Affected: yes. Study: VKGL Data-share Consensus. Not counted in ClinVar's aggregate classification.

Genome Diagnostics Laboratory, Amsterdam University Medical Center
Classification: Benign. Review status: no assertion criteria provided. Collection method: clinical testing. Allele origin: germline. Affected: yes. Study: VKGL Data-share Consensus. Not counted in ClinVar's aggregate classification.

Laboratory of Diagnostic Genome Analysis, Leiden University Medical Center (LUMC)
Classification: Likely benign. Review status: no assertion criteria provided. Collection method: clinical testing. Allele origin: germline. Affected: yes. Study: VKGL Data-share Consensus. Not counted in ClinVar's aggregate classification.

Literature cited by the submitters: PubMed 25886450 (cited by Mayo Clinic Laboratories, Mayo Clinic); PubMed 28430856 (cited by Mayo Clinic Laboratories, Mayo Clinic); PubMed 29723869 (cited by Mayo Clinic Laboratories, Mayo Clinic); PubMed 33732320 (cited by Mayo Clinic Laboratories, Mayo Clinic).